The following is an entry in ClinVar:

ClinVar aggregate classification (germline): Uncertain significance (1 of 4 stars; one submission).

Submission:

Labcorp Genetics (formerly Invitae), Labcorp
Classification: Uncertain significance. Last evaluated: 2024-12-12. Review status: criteria provided, single submitter. Criteria: Invitae Variant Classification Sherloc (09022015). Collection method: clinical testing. Allele origin: germline.
Comment: This sequence change falls in intron 14 of the VCAN gene. It does not directly change the encoded amino acid sequence of the VCAN protein. This variant is present in population databases (rs756891452, gnomAD 0.01%). This variant has not been reported in the literature in individuals affected with VCAN-related conditions. ClinVar contains an entry for this variant (Variation ID: 2974184). Experimental studies and prediction algorithms are not available or were not evaluated, and the effect of this variant on mRNA splicing is currently unknown. In summary, the available evidence is currently insufficient to determine the role of this variant in disease. Therefore, it has been classified as a Variant of Uncertain Significance.

NM_004385.5(VCAN):c.10063+9_10063+25del

Gene: VCAN (versican; plus strand). Cytogenetic location: 5q14.3.
Variant type: Deletion.
Coding change: c.10063+9_10063+25del on transcript NM_004385.5 (MANE Select); bases 9 to 25 of the intron after coding-DNA position 10063, 17 bases deleted (TCCTTTAGAAAGAATGG).
Molecular consequence: intron variant.
Genome position (GRCh38, 1-based): chr5:83,580,171-83,580,187, TCCTTTAGAAAGAATGG deleted; deleting any 17 consecutive bases within chr5:83,580,168-83,580,187 gives the same sequence; the c. name uses the placement nearest the transcript's 3' end. VCF-style (leftmost placement, unchanged base first): chr5-83580167-GTGGTCCTTTAGAAAGAA-G. GRCh37 (hg19) VCF-style: chr5-82875986-GTGGTCCTTTAGAAAGAA-G.
Other names: c.4801+9_4801+25del (NM_001164098.2); c.7102+9_7102+25del (NM_001164097.2); c.1840+9_1840+25del (NM_001126336.3).
Identifiers: ClinVar variation 2974184 (VCV002974184.3), dbSNP rs756891452, ClinGen allele CA3334145.